The following is an entry in ClinVar:

NM_000020.3(ACVRL1):c.1103C>T (p.Pro368Leu)

Gene: ACVRL1 (activin A receptor like type 1; plus strand). Cytogenetic location: 12q13.13.
Variant type: single nucleotide variant.
Coding change: c.1103C>T on transcript NM_000020.3 (MANE Select); coding-DNA position 1103, C replaced by T.
Protein change: p.Pro368Leu; replaces proline 368 with leucine.
Molecular consequence: missense variant.
Genome position (GRCh38, 1-based): chr12:51,916,090, C>T. VCF-style: chr12-51916090-C-T. GRCh37 (hg19) VCF-style: chr12-52309874-C-T.
Other names: c.1103C>T, p.Pro368Leu (NM_001077401.2); short protein forms P368L.
Identifiers: ClinVar variation 618512 (VCV000618512.12), dbSNP rs748123979, ClinGen allele CA6573069.

ClinVar aggregate classification (germline): Uncertain significance. Review status: criteria provided, multiple submitters, no conflicts (2 of 4 stars). 4 submissions from 4 submitters: Uncertain significance (4). Last evaluated 2023-12-31.

Conditions:
Telangiectasia, hereditary hemorrhagic, type 2 (HHT2). Also called: ACVRL1-Related Hereditary Hemorrhagic Telangiectasia; Telangiectasia, hereditary hemorrhagic, type II. Identifiers: Orphanet 774, MedGen C1838163, MONDO:0010880, OMIM 600376. Disease mechanism: loss of function.
Cardiovascular phenotype. Identifiers: MedGen CN230736.

Allele frequency attached by ClinVar (database versions not stated): ExAC 0.00001; gnomAD 0.00001; TOPMed 0.00002; gnomAD exomes 0.00004.
gnomAD v4.1: 61 of 1,613,308 alleles (0.0038%); highest among the groups gnomAD compares: Middle Eastern, 0.033%; no homozygotes.

Submissions (4):

Labcorp Genetics (formerly Invitae), Labcorp
Classification: Uncertain significance for Telangiectasia, hereditary hemorrhagic, type 2. Last evaluated: 2023-12-31. Review status: criteria provided, single submitter. Criteria: Invitae Variant Classification Sherloc (09022015). Collection method: clinical testing. Allele origin: germline.
Comment: This sequence change replaces proline, which is neutral and non-polar, with leucine, which is neutral and non-polar, at codon 368 of the ACVRL1 protein (p.Pro368Leu). This variant is present in population databases (rs748123979, gnomAD 0.002%). This missense change has been observed in individual(s) with arteriovenous malformation (PMID: 30120215). ClinVar contains an entry for this variant (Variation ID: 618512). Advanced modeling of protein sequence and biophysical properties (such as structural, functional, and spatial information, amino acid conservation, physicochemical variation, residue mobility, and thermodynamic stability) performed at Invitae indicates that this missense variant is expected to disrupt ACVRL1 protein function with a positive predictive value of 95%. In summary, the available evidence is currently insufficient to determine the role of this variant in disease. Therefore, it has been classified as a Variant of Uncertain Significance.

Fulgent Genetics
Classification: Uncertain significance for Telangiectasia, hereditary hemorrhagic, type 2. Last evaluated: 2022-03-02. Review status: criteria provided, single submitter. Criteria: ACMG Guidelines, 2015. Collection method: clinical testing. Allele origin: unknown.

Ambry Genetics
Classification: Uncertain significance for Cardiovascular phenotype. Last evaluated: 2021-05-27. Review status: criteria provided, single submitter. Criteria: Ambry Variant Classification Scheme 2023. Collection method: clinical testing. Allele origin: germline.
Comment: The p.P368L variant (also known as c.1103C>T), located in coding exon 7 of the ACVRL1 gene, results from a C to T substitution at nucleotide position 1103. The proline at codon 368 is replaced by leucine, an amino acid with similar properties. This amino acid position is highly conserved in available vertebrate species. In addition, this alteration is predicted to be deleterious by in silico analysis. Since supporting evidence is limited at this time, the clinical significance of this alteration remains unclear.

ARUP Laboratories, Molecular Genetics and Genomics, ARUP Laboratories
Classification: Uncertain significance. Last evaluated: 2017-10-18. Review status: criteria provided, single submitter. Criteria: ARUP Molecular Germline Variant Investigation Process. Collection method: clinical testing. Allele origin: germline.
Comment: The ACVRL1 c.1103C>T; p.Pro368Leu variant is not published in the medical literature, in gene-specific databases, or in the ClinVar database. The variant is listed in the dbSNP variant database (rs748123979) and in the Genome Aggregation Database in 2 out of 245774 alleles. The proline at this position is highly conserved across species and computational algorithms (AlignGVGD, PolyPhen2, SIFT) predict this variant is deleterious. Considering available information, the clinical significance of this variant cannot be determined with certainty.

Literature cited by the submitters: PubMed 30120215 (cited by Labcorp Genetics (formerly Invitae), Labcorp and Ambry Genetics).